The following is an entry in ClinVar:

NM_007254.4(PNKP):c.490C>T (p.Gln164Ter)

Gene: PNKP (polynucleotide kinase 3'-phosphatase; minus strand). Cytogenetic location: 19q13.33.
Variant type: single nucleotide variant.
Coding change: c.490C>T on transcript NM_007254.4 (MANE Select); coding-DNA position 490, C replaced by T.
Protein change: p.Gln164Ter; replaces glutamine 164 with a stop codon.
Molecular consequence: nonsense.
Genome position (GRCh38, 1-based): chr19:49,865,135, G>A on the plus strand (C>T on the coding strand, the complement: PNKP is on the minus strand). VCF-style: chr19-49865135-G-A. GRCh37 (hg19) VCF-style: chr19-50368392-G-A.
Other names: p.Q164*:CAG>TAG; short protein forms Q164*.
Identifiers: ClinVar variation 206387 (VCV000206387.2), dbSNP rs375781731, ClinGen allele CA316454.

ClinVar aggregate classification (germline): Pathogenic (1 of 4 stars; one submission).

Allele frequency attached by ClinVar (database versions not stated): ESP Exome Variant Server 0.00008; TOPMed below 0.00001.

Submission:

GeneDx
Classification: Pathogenic. Last evaluated: 2013-08-01. Review status: criteria provided, single submitter. Criteria: GeneDx Variant Classification (06012015). Collection method: clinical testing. Allele origin: germline. Affected: yes.
Comment: p.Gln164Stop (CAG>TAG): c.490 C>T in exon 4 of the PNKP gene (NM_007254.2) The Gln164Stop nonsense mutation in the PNKP gene is predicted to cause loss of normal protein function either through protein truncation or nonsense-mediated mRNA decay. Although this mutation has not been reported previously to our knowledge, it is considered a disease-causing mutation. The variant is found in EPILEPSY panel(s).